The following is an entry in ClinVar:

ClinVar aggregate classification (germline): Uncertain significance (1 of 4 stars; one submission).

Conditions:
Hypertrophic cardiomyopathy. Also called: HYPERTROPHIC MYOCARDIOPATHY. Identifiers: Orphanet 217569, MedGen C0007194, MeSH D002312, MONDO:0005045, HP:0001639.

Allele frequency attached by ClinVar (database versions not stated): gnomAD exomes below 0.00001; gnomAD 0.00001.
gnomAD v4.1: 2 of 1,612,436 alleles (0.00012%); highest among the groups gnomAD compares: Admixed American, 0.0017%; no homozygotes.

Submission:

Labcorp Genetics (formerly Invitae), Labcorp
Classification: Uncertain significance for Hypertrophic cardiomyopathy. Last evaluated: 2022-04-11. Review status: criteria provided, single submitter. Criteria: Invitae Variant Classification Sherloc (09022015). Collection method: clinical testing. Allele origin: germline.
Comment: This variant is not present in population databases (gnomAD no frequency). This variant has not been reported in the literature in individuals affected with MYOM1-related conditions. Algorithms developed to predict the effect of missense changes on protein structure and function (SIFT, PolyPhen-2, Align-GVGD) all suggest that this variant is likely to be tolerated. In summary, the available evidence is currently insufficient to determine the role of this variant in disease. Therefore, it has been classified as a Variant of Uncertain Significance. This sequence change replaces leucine, which is neutral and non-polar, with valine, which is neutral and non-polar, at codon 1090 of the MYOM1 protein (p.Leu1090Val).

NM_003803.4(MYOM1):c.3268C>G (p.Leu1090Val)

Gene: MYOM1 (myomesin 1; minus strand). Cytogenetic location: 18p11.31.
Variant type: single nucleotide variant.
Coding change: c.3268C>G on transcript NM_003803.4 (MANE Select); coding-DNA position 3268, C replaced by G.
Protein change: p.Leu1090Val; replaces leucine 1090 with valine.
Molecular consequence: missense variant.
Genome position (GRCh38, 1-based): chr18:3,116,366, G>C on the plus strand (C>G on the coding strand, the complement: MYOM1 is on the minus strand). VCF-style: chr18-3116366-G-C. GRCh37 (hg19) VCF-style: chr18-3116364-G-C.
Other names: c.2980C>G, p.Leu994Val (NM_019856.2); short protein forms L1090V, L994V.
Identifiers: ClinVar variation 1942721 (VCV001942721.5), dbSNP rs2079605536, ClinGen allele CA401705733.